The following is an entry in ClinVar:

ClinVar aggregate classification (germline): Likely benign. Review status: criteria provided, single submitter (1 of 4 stars). 2 submissions from 2 submitters: Likely benign (1). 1 of the submissions does not count toward it. Last evaluated 2025-12-10.

Conditions:
Evans syndrome, immunodeficiency, and premature immunosenescence associated with tripeptidyl-peptidase II deficiency. Identifiers: MedGen CN231723. Disease mechanism: loss of function.
TPP2-related disorder. Also called: TPP2-related condition.

Allele frequency attached by ClinVar (database versions not stated): gnomAD exomes 0.00004 and 0.00010; ExAC 0.00015; gnomAD 0.00042 and 0.00044; ESP Exome Variant Server 0.00046; TOPMed 0.00047; 1000 Genomes Project 0.00060; 1000 Genomes Project 30x 0.00109.
gnomAD v4.1: 121 of 1,613,258 alleles (0.0075%); highest among the groups gnomAD compares: African/African-American, 0.15%; no homozygotes.

Submissions (3):

Labcorp Genetics (formerly Invitae), Labcorp
Classification: Likely benign for Evans syndrome, immunodeficiency, and premature immunosenescence associated with tripeptidyl-peptidase II deficiency. Last evaluated: 2025-12-10. Review status: criteria provided, single submitter. Criteria: Invitae Variant Classification Sherloc (09022015). Collection method: clinical testing. Allele origin: germline.

PreventionGenetics, part of Exact Sciences
Classification: Likely benign for TPP2-related condition. Last evaluated: 2020-12-03. Review status: no assertion criteria provided. Collection method: clinical testing. Allele origin: germline. Not counted in ClinVar's aggregate classification.
Comment: This variant is classified as likely benign based on ACMG/AMP sequence variant interpretation guidelines (Richards et al. 2015 PMID: 25741868, with internal and published modifications).

Dr. Peter K. Rogan Lab, Western University
No classification provided (evidence only). Condition: Colon adenocarcinoma. Review status: no classification provided. Collection method: in vitro. Allele origin: not applicable. Functional consequence: retained intron. Not counted in ClinVar's aggregate classification.

NM_001330588.2(TPP2):c.2610C>T (p.Gly870=)

Gene: TPP2 (tripeptidyl peptidase 2; plus strand). Cytogenetic location: 13q33.1.
Variant type: single nucleotide variant.
Coding change: c.2610C>T on transcript NM_001330588.2 (MANE Select); coding-DNA position 2610, C replaced by T.
Protein change: p.Gly870=; no amino-acid change (glycine 870 retained).
Molecular consequence: synonymous variant. On other transcripts: non-coding transcript variant (1).
Genome position (GRCh38, 1-based): chr13:102,647,326, C>T. VCF-style: chr13-102647326-C-T. GRCh37 (hg19) VCF-style: chr13-103299676-C-T.
Other names: c.2610C>T, p.Gly870= (NM_001367947.1, NM_003291.4); c.2610C>T (NM_003291.3).
Identifiers: ClinVar variation 710213 (VCV000710213.12), dbSNP rs150615380, ClinGen allele CA7038046.
Genomic context (GRCh38, chr13:102,647,326, plus strand): 5'-TGAATTTGACAGCCAACTGTGGATTATTTTTGACCAGAACAAAAGACAGATGGGTTCAGG[C>T]GATGCCTATCCACATCAGGTATAAAATTGATGGTGATTTTTAGAATTAACGGAAGCTGTT-3'
Protein context (NP_001317517.1, residues 860-880): FDQNKRQMGS[Gly870=]DAYPHQYSLK